The following is an entry in ClinVar:

ClinVar aggregate classification (germline): Uncertain significance. Review status: criteria provided, multiple submitters, no conflicts (2 of 4 stars). 3 submissions from 3 submitters: Uncertain significance (3). Last evaluated 2026-01-19.

Allele frequency attached by ClinVar (database versions not stated): gnomAD 0.00001; gnomAD exomes 0.00001; ExAC 0.00002; TOPMed 0.00002.
gnomAD v4.1: 21 of 1,610,864 alleles (0.0013%); highest among the groups gnomAD compares: Non-Finnish European, 0.00042%; no homozygotes.

Submissions (3):

Labcorp Genetics (formerly Invitae), Labcorp
Classification: Uncertain significance. Last evaluated: 2026-01-19. Review status: criteria provided, single submitter. Criteria: Invitae Variant Classification Sherloc (09022015). Collection method: clinical testing. Allele origin: germline.
Comment: This sequence change replaces arginine, which is basic and polar, with cysteine, which is neutral and slightly polar, at codon 1113 of the JAK2 protein (p.Arg1113Cys). This variant is present in population databases (rs774469142, gnomAD 0.03%). This variant has not been reported in the literature in individuals affected with JAK2-related conditions. ClinVar contains an entry for this variant (Variation ID: 2890275). Invitae Evidence Modeling of protein sequence and biophysical properties (such as structural, functional, and spatial information, amino acid conservation, physicochemical variation, residue mobility, and thermodynamic stability) indicates that this missense variant is expected to disrupt JAK2 protein function with a positive predictive value of 80%. Algorithms developed to predict the effect of sequence changes on RNA splicing suggest that this variant may disrupt the consensus splice site. In summary, the available evidence is currently insufficient to determine the role of this variant in disease. Therefore, it has been classified as a Variant of Uncertain Significance.

Mayo Clinic Laboratories, Mayo Clinic
Classification: Uncertain significance. Last evaluated: 2025-09-30. Review status: criteria provided, single submitter. Criteria: ACMG Guidelines, 2015. Collection method: clinical testing. Allele origin: germline. Observed: 1 variant allele.
Comment: PP3_strong, PM2_supporting

ARUP Laboratories, Molecular Genetics and Genomics, ARUP Laboratories
Classification: Uncertain significance. Last evaluated: 2025-04-16. Review status: criteria provided, single submitter. Criteria: ARUP Molecular Germline Variant Investigation Process 2024. Collection method: clinical testing. Allele origin: germline.
Comment: The JAK2 c.3337C>T; p.Arg1113Cys variant (rs774469142), to our knowledge, is not reported in the medical literature but is reported in ClinVar (Variation ID: 2890275). This variant is only observed on three alleles in the Genome Aggregation Database (v2.1.1), indicating it is not a common polymorphism. Computational analyses predict that this variant is deleterious (REVEL: 0.949). However, given the lack of clinical and functional data, the significance of this variant is uncertain at this time.

Literature cited by the submitters: PubMed 31831954 (cited by Mayo Clinic Laboratories, Mayo Clinic).

NM_004972.4(JAK2):c.3337C>T (p.Arg1113Cys)

Genes: INSL6 (insulin like 6; minus strand), JAK2 (Janus kinase 2; plus strand). Cytogenetic location: 9p24.1.
Variant type: single nucleotide variant.
Coding change: c.3337C>T on transcript NM_004972.4 (MANE Select); coding-DNA position 3337, C replaced by T.
Protein change: p.Arg1113Cys; replaces arginine 1113 with cysteine.
Molecular consequence: missense variant. On other transcripts: non-coding transcript variant (2).
Genome position (GRCh38, 1-based): chr9:5,126,729, C>T. VCF-style: chr9-5126729-C-T. GRCh37 (hg19) VCF-style: chr9-5126729-C-T.
Other names: p.Arg1113Cys; c.3337C>T, p.Arg1113Cys (NM_001322194.2, NM_001322195.2, NM_001322196.2); c.2122C>T, p.Arg708Cys (NM_001322198.2, NM_001322199.2); c.2890C>T, p.Arg964Cys (NM_001322204.2); short protein forms R1113C, R708C, R964C.
Identifiers: ClinVar variation 2890275 (VCV002890275.5), dbSNP rs774469142, ClinGen allele CA4972431.